The following is an entry in ClinVar:

ClinVar aggregate classification (germline): Likely benign (1 of 4 stars; one submission).

Allele frequency attached by ClinVar (database versions not stated): gnomAD exomes 0.00001; TOPMed 0.00001.
gnomAD v4.1: 13 of 1,612,686 alleles (0.00081%); highest among the groups gnomAD compares: Non-Finnish European, 0.00093%; no homozygotes.

Submission:

CeGaT Center for Human Genetics Tuebingen
Classification: Likely benign. Last evaluated: 2023-08-01. Review status: criteria provided, single submitter. Criteria: CeGaT Center For Human Genetics Tuebingen Variant Classification Criteria Version 2. Collection method: clinical testing. Allele origin: germline. Affected: yes. Observed: 4 variant alleles.
Comment: CTBP2: BP4, BP7

NM_001329.4(CTBP2):c.900A>G (p.Ser300=)

Gene: CTBP2 (C-terminal binding protein 2; minus strand). Cytogenetic location: 10q26.13.
Variant type: single nucleotide variant.
Coding change: c.900A>G on transcript NM_001329.4 (MANE Select); coding-DNA position 900, A replaced by G.
Protein change: p.Ser300=; no amino-acid change (serine 300 retained).
Molecular consequence: synonymous variant.
Genome position (GRCh38, 1-based): chr10:124,993,866, T>C on the plus strand (A>G on the coding strand, the complement: CTBP2 is on the minus strand). VCF-style: chr10-124993866-T-C. GRCh37 (hg19) VCF-style: chr10-126682435-T-C.
Other names: c.900A>G, p.Ser300= (NM_001083914.3, NM_001290214.3, NM_001290215.3 and 3 more transcripts); c.1104A>G, p.Ser368= (NM_001363508.2); c.2520A>G, p.Ser840= (NM_022802.3).
Identifiers: ClinVar variation 2640948 (VCV002640948.24), dbSNP rs112585658, ClinGen allele CA215320411.
Genomic context (GRCh38, chr10:124,993,866, plus strand): 5'-TGGAGCTGGGCCCTGTGGGCTCCTGGTAGGCGGCTGGGGCAACACGCACCTGAAGGGCTC[T>C]GACTCATGCACGTCGAGGGCTGCCCCTCGTATCCTGCCCTCCTTGAGGGCTTGTGCTAAG-3'
Protein context (NP_001320.1, residues 290-310): IRGAALDVHE[Ser300=]EPFSFAQGPL